The following is an entry in ClinVar:

ClinVar aggregate classification (germline): Uncertain significance (1 of 4 stars; one submission).

gnomAD v4.1: 3 of 1,600,362 alleles (0.00019%); highest among the groups gnomAD compares: South Asian, 0.0023%; no homozygotes.

Submission:

Labcorp Genetics (formerly Invitae), Labcorp
Classification: Uncertain significance. Last evaluated: 2022-01-11. Review status: criteria provided, single submitter. Criteria: Invitae Variant Classification Sherloc (09022015). Collection method: clinical testing. Allele origin: germline.
Comment: In summary, the available evidence is currently insufficient to determine the role of this variant in disease. Therefore, it has been classified as a Variant of Uncertain Significance. Algorithms developed to predict the effect of missense changes on protein structure and function are either unavailable or do not agree on the potential impact of this missense change (SIFT: "Deleterious"; PolyPhen-2: "Probably Damaging"; Align-GVGD: "Class C0"). This variant has not been reported in the literature in individuals affected with SAG-related conditions. The frequency data for this variant in the population databases is considered unreliable, as metrics indicate poor data quality at this position in the gnomAD database. This sequence change replaces cysteine, which is neutral and slightly polar, with tryptophan, which is neutral and slightly polar, at codon 67 of the SAG protein (p.Cys67Trp).

NM_000541.5(SAG):c.201C>G (p.Cys67Trp)

Gene: SAG (S-antigen visual arrestin; plus strand). Cytogenetic location: 2q37.1.
Variant type: single nucleotide variant.
Coding change: c.201C>G on transcript NM_000541.5 (MANE Select); coding-DNA position 201, C replaced by G.
Protein change: p.Cys67Trp; replaces cysteine 67 with tryptophan.
Molecular consequence: missense variant.
Genome position (GRCh38, 1-based): chr2:233,320,649, C>G. VCF-style: chr2-233320649-C-G. GRCh37 (hg19) VCF-style: chr2-234229295-C-G.
Other names: short protein forms C67W.
Identifiers: ClinVar variation 2078991 (VCV002078991.4), dbSNP rs72976383, ClinGen allele CA351046128.